The following is an entry in ClinVar:

NM_000064.4(C3):c.1968G>C (p.Gln656His)

Gene: C3 (complement C3; minus strand). Cytogenetic location: 19p13.3.
Variant type: single nucleotide variant.
Coding change: c.1968G>C on transcript NM_000064.4 (MANE Select); coding-DNA position 1968, G replaced by C.
Protein change: p.Gln656His; replaces glutamine 656 with histidine.
Molecular consequence: missense variant.
Genome position (GRCh38, 1-based): chr19:6,707,807, C>G on the plus strand (G>C on the coding strand, the complement: C3 is on the minus strand). VCF-style: chr19-6707807-C-G. GRCh37 (hg19) VCF-style: chr19-6707818-C-G.
Other names: short protein forms Q656H.
Identifiers: ClinVar variation 2899034 (VCV002899034.3), dbSNP rs1226051289, ClinGen allele CA403638023.

ClinVar aggregate classification (germline): Uncertain significance (1 of 4 stars; one submission).

Allele frequency attached by ClinVar (database versions not stated): gnomAD exomes below 0.00001; TOPMed 0.00001.
gnomAD v4.1: 1 of 1,613,586 alleles (0.000062%); highest among the groups gnomAD compares: Admixed American, 0.0017%; no homozygotes.

Submission:

Labcorp Genetics (formerly Invitae), Labcorp
Classification: Uncertain significance. Last evaluated: 2023-10-08. Review status: criteria provided, single submitter. Criteria: Invitae Variant Classification Sherloc (09022015). Collection method: clinical testing. Allele origin: germline.
Comment: This sequence change replaces glutamine, which is neutral and polar, with histidine, which is basic and polar, at codon 656 of the C3 protein (p.Gln656His). The frequency data for this variant in the population databases is considered unreliable, as metrics indicate poor data quality at this position in the gnomAD database. This variant has not been reported in the literature in individuals affected with C3-related conditions. Advanced modeling of protein sequence and biophysical properties (such as structural, functional, and spatial information, amino acid conservation, physicochemical variation, residue mobility, and thermodynamic stability) performed at Invitae indicates that this missense variant is not expected to disrupt C3 protein function. In summary, the available evidence is currently insufficient to determine the role of this variant in disease. Therefore, it has been classified as a Variant of Uncertain Significance.